The following is an entry in ClinVar:

ClinVar aggregate classification (germline): Likely pathogenic. Review status: criteria provided, multiple submitters, no conflicts (2 of 4 stars). 2 submissions from 2 submitters: Likely pathogenic (2). Last evaluated 2025-09-24.

Conditions:
Alstrom syndrome (ALMS). Identifiers: Orphanet 64, MedGen C0268425, MONDO:0008763, OMIM 203800.

Submissions (2):

First Genomix Gene Laboratory, Genetic Diagnostics Department
Classification: Likely pathogenic for Alstrom syndrome. Last evaluated: 2025-09-24. Review status: criteria provided, single submitter. Criteria: ACMG Guidelines, 2015. Collection method: clinical testing. Allele origin: germline. Inheritance: Autosomal recessive inheritance. Affected: no. Observed: 1 variant allele.

Igenomix - Part of Vitrolife Group, Igenomix
Classification: Likely pathogenic for Alstrom syndrome. Review status: criteria provided, single submitter. Criteria: ACMG Guidelines, 2015. Collection method: clinical testing. Allele origin: germline. Inheritance: Autosomal recessive inheritance. Affected: no.
Comment: ALMS1 variant (NM_001378454.1:c.3295C>T, p.Gln1099Ter) results in a premature termination codon, predicted to cause a truncation of the encoded protein or absence of the protein due to nonsense-mediated decay, which is commonly known mechanisms for disease (PVS1). Truncations downstream of this position have been classified as pathogenic. This variant is absent in the gnomAD v4.1.0 (PM2). To our knowledge, no experimental evidence demonstrating an impact on protein function has been reported. Based on the evidence outlined above, the variant was classified as likely pathogenic. This variant was detected in the heterozygous state through carrier screening.

NM_001378454.1(ALMS1):c.3295C>T (p.Gln1099Ter)

Gene: ALMS1 (ALMS1 centrosome and basal body associated protein; plus strand). Cytogenetic location: 2p13.1.
Variant type: single nucleotide variant.
Coding change: c.3295C>T on transcript NM_001378454.1 (MANE Select); coding-DNA position 3295, C replaced by T.
Protein change: p.Gln1099Ter; replaces glutamine 1099 with a stop codon.
Molecular consequence: nonsense.
Genome position (GRCh38, 1-based): chr2:73,449,822, C>T. VCF-style: chr2-73449822-C-T. GRCh37 (hg19) VCF-style: chr2-73676949-C-T.
Other names: c.3298C>T, p.Gln1100Ter (NM_015120.4); short protein forms Q1099*, Q1100*.
Identifiers: ClinVar variation 3336676 (VCV003336676.2).